The following is an entry in ClinVar:

ClinVar aggregate classification (germline): Uncertain significance. Review status: criteria provided, multiple submitters, no conflicts (2 of 4 stars). 3 submissions from 3 submitters: Uncertain significance (3). Last evaluated 2025-10-24.

Conditions:
Fanconi anemia complementation group P. Also called: SLX4-Related Fanconi Anemia. Identifiers: Orphanet 84, MedGen C3469542, MONDO:0013499, OMIM 613951.
Fanconi anemia (FA). Also called: Fanconi's anemia. Identifiers: Orphanet 84, MedGen C0015625, MeSH D005199, MONDO:0019391.

Allele frequency attached by ClinVar (database versions not stated): gnomAD 0.00002; TOPMed 0.00002.
gnomAD v4.1: 16 of 1,613,320 alleles (0.00099%); highest among the groups gnomAD compares: African/African-American, 0.004%; no homozygotes.

Submissions (3):

Labcorp Genetics (formerly Invitae), Labcorp
Classification: Uncertain significance for Fanconi anemia. Last evaluated: 2025-10-24. Review status: criteria provided, single submitter. Criteria: Invitae Variant Classification Sherloc (09022015). Collection method: clinical testing. Allele origin: germline.
Comment: This sequence change replaces glycine, which is neutral and non-polar, with arginine, which is basic and polar, at codon 1043 of the SLX4 protein (p.Gly1043Arg). This variant is present in population databases (rs776060270, gnomAD 0.005%). This variant has not been reported in the literature in individuals affected with SLX4-related conditions. ClinVar contains an entry for this variant (Variation ID: 930702). An algorithm developed to predict the effect of missense changes on protein structure and function outputs the following: PolyPhen-2: "Benign". The arginine amino acid residue is found in multiple mammalian species, which suggests that this missense change does not adversely affect protein function. In summary, the available evidence is currently insufficient to determine the role of this variant in disease. Therefore, it has been classified as a Variant of Uncertain Significance.

Fulgent Genetics
Classification: Uncertain significance for Fanconi anemia complementation group P. Last evaluated: 2022-02-08. Review status: criteria provided, single submitter. Criteria: ACMG Guidelines, 2015. Collection method: clinical testing. Allele origin: unknown.

Centre for Mendelian Genomics, University Medical Centre Ljubljana
Classification: Uncertain significance for Fanconi anemia complementation group P. Last evaluated: 2020-02-10. Review status: criteria provided, single submitter. Criteria: ACMG Guidelines, 2015. Collection method: clinical testing. Allele origin: unknown. Affected: yes.
Comment: This variant was classified as: Uncertain significance. The available evidence on this variant's pathogenicity is insufficient or conflicting. The following ACMG criteria were applied in classifying this variant: PM2.

NM_032444.4(SLX4):c.3127G>A (p.Gly1043Arg)

Gene: SLX4 (SLX4 structure-specific endonuclease subunit; minus strand). Cytogenetic location: 16p13.3.
Variant type: single nucleotide variant.
Coding change: c.3127G>A on transcript NM_032444.4 (MANE Select); coding-DNA position 3127, G replaced by A.
Protein change: p.Gly1043Arg; replaces glycine 1043 with arginine.
Molecular consequence: missense variant.
Genome position (GRCh38, 1-based): chr16:3,590,511, C>T on the plus strand (G>A on the coding strand, the complement: SLX4 is on the minus strand). VCF-style: chr16-3590511-C-T. GRCh37 (hg19) VCF-style: chr16-3640512-C-T.
Other names: short protein forms G1043R.
Identifiers: ClinVar variation 930702 (VCV000930702.10), dbSNP rs776060270, ClinGen allele CA7865986.